The following is an entry in ClinVar:

NM_005144.5(HR):c.1909A>G (p.Lys637Glu)

Gene: HR (HR lysine demethylase and nuclear receptor corepressor; minus strand). Cytogenetic location: 8p21.3.
Variant type: single nucleotide variant.
Coding change: c.1909A>G on transcript NM_005144.5 (MANE Select); coding-DNA position 1909, A replaced by G.
Protein change: p.Lys637Glu; replaces lysine 637 with glutamic acid.
Molecular consequence: missense variant.
Genome position (GRCh38, 1-based): chr8:22,123,655, T>C on the plus strand (A>G on the coding strand, the complement: HR is on the minus strand). VCF-style: chr8-22123655-T-C. GRCh37 (hg19) VCF-style: chr8-21981168-T-C.
Other names: c.1909A>G, p.Lys637Glu (NM_018411.4); short protein forms K637E.
Identifiers: ClinVar variation 3284762 (VCV003284762.2).
Genomic context (GRCh38, chr8:22,123,655, plus strand): 5'-AGCAGTCCCCCTGAGGGCTCCATCCCGCCCTCCCACCCCCAGCCCCTCTCCTACCTGCTT[T>C]CTCCCTGGCCCGCCCAGTGCCTGCCACACGACCACAGGCCACACACAGCCGGTGGCTGCA-3'
Protein context (NP_005135.2, residues 627-647): RVAGTGRARE[Lys637Glu]AGFQEQSAEE

ClinVar aggregate classification (germline): Uncertain significance. Review status: criteria provided, multiple submitters, no conflicts (2 of 4 stars). 2 submissions from 2 submitters: Uncertain significance (2). Last evaluated 2025-04-18.

Conditions:
Inborn genetic diseases. Identifiers: MedGen C0950123, MeSH D030342.

gnomAD v4.1: 142 of 1,174,616 alleles (0.012%); highest among the groups gnomAD compares: Non-Finnish European, 0.015%; no homozygotes.

Submissions (2):

Labcorp Genetics (formerly Invitae), Labcorp
Classification: Uncertain significance. Last evaluated: 2025-04-18. Review status: criteria provided, single submitter. Criteria: Invitae Variant Classification Sherloc (09022015). Collection method: clinical testing. Allele origin: germline.
Comment: This sequence change replaces lysine, which is basic and polar, with glutamic acid, which is acidic and polar, at codon 637 of the HR protein (p.Lys637Glu). This variant is present in population databases (rs773599218, gnomAD 0.02%). This variant has not been reported in the literature in individuals affected with HR-related conditions. ClinVar contains an entry for this variant (Variation ID: 3284762). An algorithm developed to predict the effect of missense changes on protein structure and function (PolyPhen-2) suggests that this variant is likely to be tolerated. In summary, the available evidence is currently insufficient to determine the role of this variant in disease. Therefore, it has been classified as a Variant of Uncertain Significance.

Ambry Genetics
Classification: Uncertain significance for Inborn genetic diseases. Last evaluated: 2024-03-30. Review status: criteria provided, single submitter. Criteria: Ambry Variant Classification Scheme 2023. Collection method: clinical testing. Allele origin: germline.